The following is an entry in ClinVar:

ClinVar aggregate classification (germline): Pathogenic (1 of 4 stars; one submission).

Conditions:
Fanconi anemia (FA). Also called: Fanconi's anemia. Identifiers: Orphanet 84, MedGen C0015625, MeSH D005199, MONDO:0019391.

Submission:

Labcorp Genetics (formerly Invitae), Labcorp
Classification: Pathogenic for Fanconi anemia. Last evaluated: 2021-06-10. Review status: criteria provided, single submitter. Criteria: Invitae Variant Classification Sherloc (09022015). Collection method: clinical testing. Allele origin: germline.
Comment: For these reasons, this variant has been classified as Pathogenic. This variant disrupts the N-terminal domain of the FANCF protein, which stabilizes the interaction with FANCA and FANCG and is also essential for the binding of the FANCC/FANCE subcomplex (PMID: 15262960). While functional studies have not been performed to directly test the effect of this variant on FANCF protein function, this suggests that disruption of this region of the protein is causative of disease. Disruption of the initiator codon has been observed in individual(s) with autosomal recessive Fanconi anemia (Invitae). This variant is not present in population databases (ExAC no frequency). This sequence change affects the initiator methionine of the FANCF mRNA. The next in-frame methionine is located at codon 145.

Literature cited by the submitters: PubMed 15262960.

NM_022725.4(FANCF):c.3G>A (p.Met1Ile)

Gene: FANCF (FA complementation group F; minus strand). Cytogenetic location: 11p14.3.
Variant type: single nucleotide variant.
Coding change: c.3G>A on transcript NM_022725.4 (MANE Select); coding-DNA position 3, G replaced by A.
Protein change: p.Met1Ile; changes the start codon (methionine 1).
Molecular consequence: missense variant, initiator codon variant.
Genome position (GRCh38, 1-based): chr11:22,625,808, C>T on the plus strand (G>A on the coding strand, the complement: FANCF is on the minus strand). VCF-style: chr11-22625808-C-T. GRCh37 (hg19) VCF-style: chr11-22647354-C-T.
Other names: short protein forms M1I.
Identifiers: ClinVar variation 1456016 (VCV001456016.8), dbSNP rs2133798927, ClinGen allele CA380060184.
Genomic context (GRCh38, chr11:22,625,808, plus strand): 5'-GGTAGTGCTTGAGACCGCCAGAAGCTCGGAAAAGCGATCCAGGTGCTGCAGAAGGGATTC[C>T]ATGAGGTGCGCGAAGGCCCTACTTCCGCTTTCACCTTGGAGACGGCGACTCTCTGCGTAC-3'
Protein context (NP_073562.1, residues 1-11): [Met1Ile]ESLLQHLDRF